The following is an entry in ClinVar:

NM_000545.8(HNF1A):c.1193A>C (p.Gln398Pro)

Gene: HNF1A (HNF1 homeobox A; plus strand). Cytogenetic location: 12q24.31.
Variant type: single nucleotide variant.
Coding change: c.1193A>C on transcript NM_000545.8 (MANE Select); coding-DNA position 1193, A replaced by C.
Protein change: p.Gln398Pro; replaces glutamine 398 with proline.
Molecular consequence: missense variant.
Genome position (GRCh38, 1-based): chr12:120,996,626, A>C. VCF-style: chr12-120996626-A-C. GRCh37 (hg19) VCF-style: chr12-121434429-A-C.
Other names: c.1193A>C, p.Gln398Pro (NM_001306179.2); short protein forms Q398P.
Identifiers: ClinVar variation 1700664 (VCV001700664.2), dbSNP rs1877116749, ClinGen allele CA386969267.
Genomic context (GRCh38, chr12:120,996,626, plus strand): 5'-CCCCTGTCAGCACCCTGACAGCACTGCACAGCTTGGAGCAGACATCCCCAGGCCTCAACC[A>C]GCAGCCCCAGAACCTCATCATGGCCTCACTTCCTGGGGTCATGACCATCGGGCCTGGTGA-3'
Protein context (NP_000536.6, residues 388-408): SLEQTSPGLN[Gln398Pro]QPQNLIMASL

ClinVar aggregate classification (germline): Likely pathogenic (1 of 4 stars; one submission).

Conditions:
Maturity-onset diabetes of the young type 3. Also called: MODY type 3; MODY, type III. Identifiers: Orphanet 552, MedGen C1838100, MeSH C563933, MONDO:0010894, OMIM 600496. Disease mechanism: loss of function.

Allele frequency attached by ClinVar (database versions not stated): gnomAD exomes below 0.00001.
gnomAD v4.1: 3 of 1,614,068 alleles (0.00019%); highest among the groups gnomAD compares: Non-Finnish European, 0.00025%; no homozygotes.

Submission:

Geisinger Clinic, Geisinger Health System
Classification: Likely pathogenic for Maturity-onset diabetes of the young type 3. Last evaluated: 2022-08-02. Review status: criteria provided, single submitter. Criteria: ACMG Guidelines, 2015. Collection method: research. Allele origin: germline. Inheritance: Autosomal dominant inheritance. Affected: yes. Observed: 1 variant allele.
Comment: PM2, PP3, PP1_Moderate, PP4, PM5_Supporting

Literature cited by the submitters: PubMed 36257325.